The following is an entry in ClinVar:

NM_015466.4(PTPN23):c.4642C>A (p.Leu1548Ile)

Gene: PTPN23 (protein tyrosine phosphatase non-receptor type 23; plus strand). Cytogenetic location: 3p21.31.
Variant type: single nucleotide variant.
Coding change: c.4642C>A on transcript NM_015466.4 (MANE Select); coding-DNA position 4642, C replaced by A.
Protein change: p.Leu1548Ile; replaces leucine 1548 with isoleucine.
Molecular consequence: missense variant.
Genome position (GRCh38, 1-based): chr3:47,412,916, C>A. VCF-style: chr3-47412916-C-A. GRCh37 (hg19) VCF-style: chr3-47454406-C-A.
Other names: c.4264C>A, p.Leu1422Ile (NM_001304482.2); short protein forms L1548I, L1422I.
Identifiers: ClinVar variation 1353884 (VCV001353884.7), dbSNP rs1298503490, ClinGen allele CA352568170.

ClinVar aggregate classification (germline): Uncertain significance (1 of 4 stars; one submission).

Allele frequency attached by ClinVar (database versions not stated): gnomAD 0.00001.
gnomAD v4.1: 6 of 1,603,360 alleles (0.00037%); highest among the groups gnomAD compares: Non-Finnish European, 0.00051%; no homozygotes.

Submission:

Labcorp Genetics (formerly Invitae), Labcorp
Classification: Uncertain significance. Last evaluated: 2021-06-12. Review status: criteria provided, single submitter. Criteria: Invitae Variant Classification Sherloc (09022015). Collection method: clinical testing. Allele origin: germline.
Comment: This variant is not present in population databases (ExAC no frequency). This sequence change replaces leucine with isoleucine at codon 1548 of the PTPN23 protein (p.Leu1548Ile). The leucine residue is weakly conserved and there is a small physicochemical difference between leucine and isoleucine. This variant has not been reported in the literature in individuals with PTPN23-related conditions. Algorithms developed to predict the effect of missense changes on protein structure and function output the following: SIFT: "Tolerated"; PolyPhen-2: "Not Available"; Align-GVGD: "Class C0". The isoleucine amino acid residue is found in multiple mammalian species, suggesting that this missense change does not adversely affect protein function. These predictions have not been confirmed by published functional studies and their clinical significance is uncertain. In summary, the available evidence is currently insufficient to determine the role of this variant in disease. Therefore, it has been classified as a Variant of Uncertain Significance.